The following is an entry in ClinVar:

ClinVar aggregate classification (germline): Uncertain significance. Review status: criteria provided, multiple submitters, no conflicts (2 of 4 stars). 2 submissions from 2 submitters: Uncertain significance (2). Last evaluated 2023-06-06.

Conditions:
Inborn genetic diseases. Identifiers: MedGen C0950123, MeSH D030342.

Allele frequency attached by ClinVar (database versions not stated): TOPMed below 0.00001; gnomAD exomes 0.00001.
gnomAD v4.1: 3 of 1,173,253 alleles (0.00026%); highest among the groups gnomAD compares: Admixed American, 0.0051%; no homozygotes.

Submissions (2):

Ambry Genetics
Classification: Uncertain significance for Inborn genetic diseases. Last evaluated: 2023-06-06. Review status: criteria provided, single submitter. Criteria: Ambry Variant Classification Scheme 2023. Collection method: clinical testing. Allele origin: germline.

Labcorp Genetics (formerly Invitae), Labcorp
Classification: Uncertain significance. Last evaluated: 2022-08-10. Review status: criteria provided, single submitter. Criteria: Invitae Variant Classification Sherloc (09022015). Collection method: clinical testing. Allele origin: germline.
Comment: In summary, the available evidence is currently insufficient to determine the role of this variant in disease. Therefore, it has been classified as a Variant of Uncertain Significance. Algorithms developed to predict the effect of missense changes on protein structure and function (SIFT, PolyPhen-2, Align-GVGD) all suggest that this variant is likely to be tolerated. This variant has not been reported in the literature in individuals affected with RBM10-related conditions. The frequency data for this variant in the population databases is considered unreliable, as metrics indicate poor data quality at this position in the gnomAD database. This sequence change replaces arginine, which is basic and polar, with glutamine, which is neutral and polar, at codon 726 of the RBM10 protein (p.Arg726Gln).

NM_005676.5(RBM10):c.2177G>A (p.Arg726Gln)

Gene: RBM10 (RNA binding motif protein 10; plus strand). Cytogenetic location: Xp11.3.
Variant type: single nucleotide variant.
Coding change: c.2177G>A on transcript NM_005676.5 (MANE Select); coding-DNA position 2177, G replaced by A.
Protein change: p.Arg726Gln; replaces arginine 726 with glutamine.
Molecular consequence: missense variant.
Genome position (GRCh38, 1-based): chrX:47,185,452, G>A. VCF-style: chrX-47185452-G-A. GRCh37 (hg19) VCF-style: chrX-47044851-G-A.
Other names: c.1946G>A, p.Arg649Gln (NM_001204466.2); c.2174G>A, p.Arg725Gln (NM_001204467.2); c.2372G>A, p.Arg791Gln (NM_001204468.2); c.1943G>A, p.Arg648Gln (NM_152856.3); c.2177G>A (NM_005676.4); short protein forms R649Q, R791Q, R648Q, R725Q, R726Q.
Identifiers: ClinVar variation 2074702 (VCV002074702.6), dbSNP rs1556781820, ClinGen allele CA412807054.